The following is an entry in ClinVar:

ClinVar aggregate classification (germline): Uncertain significance (1 of 4 stars; one submission).

Conditions:
Inborn genetic diseases. Identifiers: MedGen C0950123, MeSH D030342.

Submission:

Ambry Genetics
Classification: Uncertain significance for Inborn genetic diseases. Last evaluated: 2025-02-16. Review status: criteria provided, single submitter. Criteria: Ambry Variant Classification Scheme 2023. Collection method: clinical testing. Allele origin: germline.
Comment: The p.Q86R variant (also known as c.257A>G), located in coding exon 2 of the SBDS gene, results from an A to G substitution at nucleotide position 257. The glutamine at codon 86 is replaced by arginine, an amino acid with highly similar properties. This amino acid position is conserved. In addition, this alteration is predicted to be deleterious by in silico analysis. Based on the available evidence, the clinical significance of this variant remains unclear.

NM_016038.4(SBDS):c.257A>G (p.Gln86Arg)

Gene: SBDS (SBDS ribosome maturation factor; minus strand). Cytogenetic location: 7q11.21.
Variant type: single nucleotide variant.
Coding change: c.257A>G on transcript NM_016038.4 (MANE Select); coding-DNA position 257, A replaced by G.
Protein change: p.Gln86Arg; replaces glutamine 86 with arginine.
Molecular consequence: missense variant.
Genome position (GRCh38, 1-based): chr7:66,994,213, T>C on the plus strand (A>G on the coding strand, the complement: SBDS is on the minus strand). VCF-style: chr7-66994213-T-C. GRCh37 (hg19) VCF-style: chr7-66459200-T-C.
Other names: short protein forms Q86R.
Identifiers: ClinVar variation 3792745 (VCV003792745.1).